The following continues an entry in ClinVar:

NM_000257.4(MYH7):c.1063G>A (p.Ala355Thr)

Gene: MYH7. ClinVar aggregate classification (germline): Pathogenic/Likely pathogenic. Pathogenic (12); Likely pathogenic (7).

Submissions 14 to 23 of 23:

Women's Health and Genetics/Laboratory Corporation of America, LabCorp
Classification: Pathogenic for Primary familial hypertrophic cardiomyopathy. Last evaluated: 2020-10-19. Review status: criteria provided, single submitter. Criteria: LabCorp Variant Classification Summary - May 2015. Collection method: clinical testing. Allele origin: germline.
Comment: Variant summary: MYH7 c.1063G>A (p.Ala355Thr) results in a non-conservative amino acid change located in the Myosin head, motor domain of the encoded protein sequence. Five of five in-silico tools predict a damaging effect of the variant on protein function. The variant was absent in 251444 control chromosomes. c.1063G>A has been reported in the literature in multiple individuals affected with Hypertrophic Cardiomyopathy (e.g. Richard_2003, Ho_2018). These data indicate that the variant is very likely to be associated with disease. Nine clinical diagnostic laboratories have submitted clinical-significance assessments for this variant to ClinVar after 2014 without evidence for independent evaluation. All laboratories classified the variant as pathogenic/likely pathogenic. Based on the evidence outlined above, the variant was classified as pathogenic.

Laboratory for Molecular Medicine, Mass General Brigham Personalized Medicine
Classification: Pathogenic for Hypertrophic cardiomyopathy. Last evaluated: 2020-10-05. Review status: criteria provided, single submitter. Criteria: LMM Criteria. Collection method: clinical testing. Allele origin: germline. Inheritance: Autosomal dominant inheritance. Observed: 5 variant alleles.
Comment: proposed classification - variant undergoing re-assessment, contact laboratory

Clinical Molecular Genetics Laboratory, Johns Hopkins All Children's Hospital
Classification: Pathogenic for Hypertrophic cardiomyopathy. Last evaluated: 2020-01-10. Review status: criteria provided, single submitter. Criteria: ACMG Guidelines, 2015. Collection method: clinical testing. Allele origin: germline. Inheritance: Autosomal dominant inheritance. Affected: yes. Observed: 1 heterozygote.

Klaassen Lab, Charite University Medicine Berlin
Classification: Pathogenic for Primary familial hypertrophic cardiomyopathy. Last evaluated: 2019-07-03. Review status: criteria provided, single submitter. Criteria: ACMG Guidelines, 2015. Collection method: research. Allele origin: germline. Affected: yes.

Agnes Ginges Centre for Molecular Cardiology, Centenary Institute
Classification: Likely pathogenic for Hypertrophic cardiomyopathy 1. Last evaluated: 2018-06-01. Review status: criteria provided, single submitter. Criteria: ACMG Guidelines, 2015. Collection method: research. Allele origin: germline. Inheritance: Autosomal dominant inheritance. Affected: yes.
Comment: This variant has been identified as part of our research program. Refer to the 'condition' field for the phenotype of the proband(s) identified with this variant. For further information please feel free to contact us.

Clinical Genetics Service, Universitary Hospital 12 de Octubre
Classification: Likely pathogenic for Hypertrophic cardiomyopathy 1. Review status: criteria provided, single submitter. Criteria: ACMG Guidelines, 2015. Collection method: clinical testing. Allele origin: germline. Affected: yes.

Clinical Genetics DNA and cytogenetics Diagnostics Lab, Erasmus MC, Erasmus Medical Center
Classification: Pathogenic. Review status: no assertion criteria provided. Collection method: clinical testing. Allele origin: germline. Affected: yes. Study: VKGL Data-share Consensus. Not counted in ClinVar's aggregate classification.

Clinical Genetics, Academic Medical Center
Classification: Likely pathogenic. Review status: no assertion criteria provided. Collection method: clinical testing. Allele origin: germline. Affected: yes. Study: VKGL Data-share Consensus. Not counted in ClinVar's aggregate classification.

Genome Diagnostics Laboratory, University Medical Center Utrecht
Classification: Likely pathogenic. Review status: no assertion criteria provided. Collection method: clinical testing. Allele origin: germline. Affected: yes. Study: VKGL Data-share Consensus. Not counted in ClinVar's aggregate classification.

Joint Genome Diagnostic Labs from Nijmegen and Maastricht, Radboudumc and MUMC+
Classification: Likely pathogenic. Review status: no assertion criteria provided. Collection method: clinical testing. Allele origin: germline. Affected: yes. Study: VKGL Data-share Consensus. Not counted in ClinVar's aggregate classification.

Literature cited by the submitters: PubMed 12707239 (cited by 4 submitters); PubMed 18761664 (cited by 3 submitters); PubMed 20031618 (cited by Labcorp Genetics (formerly Invitae), Labcorp and Agnes Ginges Centre for Molecular Cardiology, Centenary Institute); PubMed 21835320 (cited by 3 submitters); PubMed 23283745 (cited by 3 submitters); PubMed 24704860 (cited by 3 submitters); PubMed 27247418 (cited by 3 submitters); PubMed 27532257 (cited by 4 submitters); PubMed 24793961 (cited by Ambry Genetics and Agnes Ginges Centre for Molecular Cardiology, Centenary Institute); PubMed 27066507 (cited by Ambry Genetics and Agnes Ginges Centre for Molecular Cardiology, Centenary Institute); PubMed 30022097 (cited by Ambry Genetics and Laboratory for Molecular Medicine, Mass General Brigham Personalized Medicine); PubMed 30275503 (cited by Ambry Genetics); PubMed 31308319 (cited by Ambry Genetics); PubMed 31568572 (cited by Ambry Genetics and Klaassen Lab, Charite University Medicine Berlin); PubMed 31722741 (cited by Ambry Genetics); PubMed 32894683 (cited by Ambry Genetics); PubMed 33302605 (cited by Ambry Genetics); PubMed 34542152 (cited by Mayo Clinic Laboratories, Mayo Clinic); PubMed 35626289 (cited by Mayo Clinic Laboratories, Mayo Clinic); PubMed 35653365 (cited by Mayo Clinic Laboratories, Mayo Clinic); PubMed 30297972 (cited by Women's Health and Genetics/Laboratory Corporation of America, LabCorp); PubMed 31333075 (cited by Klaassen Lab, Charite University Medicine Berlin); PubMed 25351510 (cited by Agnes Ginges Centre for Molecular Cardiology, Centenary Institute).